The following is an entry in ClinVar:

NM_032242.4(PLXNA1):c.1656G>A (p.Glu552=)

Gene: PLXNA1 (plexin A1; plus strand). Cytogenetic location: 3q21.3.
Variant type: single nucleotide variant.
Coding change: c.1656G>A on transcript NM_032242.4 (MANE Select); coding-DNA position 1656, G replaced by A.
Protein change: p.Glu552=; no amino-acid change (glutamic acid 552 retained).
Molecular consequence: synonymous variant.
Genome position (GRCh38, 1-based): chr3:127,004,921, G>A. VCF-style: chr3-127004921-G-A. GRCh37 (hg19) VCF-style: chr3-126723764-G-A.
Identifiers: ClinVar variation 4981235 (VCV004981235.1).

ClinVar aggregate classification (germline): Likely benign (1 of 4 stars; one submission).

Conditions:
PLXNA1-related disorder. Also called: PLXNA1-related condition.

gnomAD v4.1: 1 of 1,607,692 alleles (0.000062%); highest among the groups gnomAD compares: African/African-American, 0.0013%; no homozygotes.

Submission:

PreventionGenetics, part of Exact Sciences
Classification: Likely benign for PLXNA1-related condition. Last evaluated: 2025-07-02. Review status: criteria provided, single submitter. Criteria: ACMG Guidelines, 2015. Collection method: clinical testing. Allele origin: germline.
Comment: This variant is classified as likely benign based on ACMG/AMP sequence variant interpretation guidelines (Richards et al. 2015 PMID: 25741868, with internal and published modifications).